The following is an entry in ClinVar:

ClinVar aggregate classification (germline): Uncertain significance (1 of 4 stars; one submission).

Allele frequency attached by ClinVar (database versions not stated): gnomAD exomes below 0.00001; gnomAD 0.00001.
gnomAD v4.1: 8 of 1,613,888 alleles (0.0005%); highest among the groups gnomAD compares: African/African-American, 0.0027%; no homozygotes.

Submission:

Labcorp Genetics (formerly Invitae), Labcorp
Classification: Uncertain significance. Last evaluated: 2024-04-18. Review status: criteria provided, single submitter. Criteria: Invitae Variant Classification Sherloc (09022015). Collection method: clinical testing. Allele origin: germline.
Comment: This sequence change replaces arginine, which is basic and polar, with cysteine, which is neutral and slightly polar, at codon 603 of the CNGB3 protein (p.Arg603Cys). This variant is present in population databases (no rsID available, gnomAD 0.007%). This variant has not been reported in the literature in individuals affected with CNGB3-related conditions. ClinVar contains an entry for this variant (Variation ID: 2146072). Advanced modeling of protein sequence and biophysical properties (such as structural, functional, and spatial information, amino acid conservation, physicochemical variation, residue mobility, and thermodynamic stability) performed at Invitae indicates that this missense variant is expected to disrupt CNGB3 protein function with a positive predictive value of 80%. In summary, the available evidence is currently insufficient to determine the role of this variant in disease. Therefore, it has been classified as a Variant of Uncertain Significance.

NM_019098.5(CNGB3):c.1807C>T (p.Arg603Cys)

Gene: CNGB3 (cyclic nucleotide gated channel subunit beta 3; minus strand). Cytogenetic location: 8q21.3.
Variant type: single nucleotide variant.
Coding change: c.1807C>T on transcript NM_019098.5 (MANE Select); coding-DNA position 1807, C replaced by T.
Protein change: p.Arg603Cys; replaces arginine 603 with cysteine.
Molecular consequence: missense variant.
Genome position (GRCh38, 1-based): chr8:86,579,227, G>A on the plus strand (C>T on the coding strand, the complement: CNGB3 is on the minus strand). VCF-style: chr8-86579227-G-A. GRCh37 (hg19) VCF-style: chr8-87591455-G-A.
Other names: short protein forms R603C.
Identifiers: ClinVar variation 2146072 (VCV002146072.2), dbSNP rs1425590290, ClinGen allele CA371448001.